The following is an entry in ClinVar:

NM_018026.4(PACS1):c.875G>T (p.Ser292Ile)

Gene: PACS1 (phosphofurin acidic cluster sorting protein 1; plus strand). Cytogenetic location: 11q13.2.
Variant type: single nucleotide variant.
Coding change: c.875G>T on transcript NM_018026.4 (MANE Select); coding-DNA position 875, G replaced by T.
Protein change: p.Ser292Ile; replaces serine 292 with isoleucine.
Molecular consequence: missense variant.
Genome position (GRCh38, 1-based): chr11:66,216,589, G>T. VCF-style: chr11-66216589-G-T. GRCh37 (hg19) VCF-style: chr11-65984060-G-T.
Other names: short protein forms S292I.
Identifiers: ClinVar variation 2682349 (VCV002682349.1), dbSNP rs2495550945, ClinGen allele CA381350117.

ClinVar aggregate classification (germline): Uncertain significance (1 of 4 stars; one submission).

Submission:

Women's Health and Genetics/Laboratory Corporation of America, LabCorp
Classification: Uncertain significance. Last evaluated: 2023-11-01. Review status: criteria provided, single submitter. Criteria: LabCorp Variant Classification Summary - May 2015. Collection method: clinical testing. Allele origin: germline.
Comment: Variant summary: PACS1 c.875G>T (p.Ser292Ile) results in a non-conservative amino acid change in the encoded protein sequence. Four of five in-silico tools predict a damaging effect of the variant on protein function. The variant was absent in 251490 control chromosomes (gnomAD). The available data on variant occurrences in the general population are insufficient to allow any conclusion about variant significance. To our knowledge, no occurrence of c.875G>T in individuals affected with Schuurs-Hoeijmakers Syndrome and no experimental evidence demonstrating its impact on protein function have been reported. No submitters have cited clinical-significance assessments for this variant to ClinVar after 2014. Based on the evidence outlined above, the variant was classified as uncertain significance.